The following is an entry in ClinVar:

NM_005121.3(MED13):c.1081A>G (p.Ser361Gly)

Gene: MED13 (mediator complex subunit 13; minus strand). Cytogenetic location: 17q23.2.
Variant type: single nucleotide variant.
Coding change: c.1081A>G on transcript NM_005121.3 (MANE Select); coding-DNA position 1081, A replaced by G.
Protein change: p.Ser361Gly; replaces serine 361 with glycine.
Molecular consequence: missense variant.
Genome position (GRCh38, 1-based): chr17:62,029,942, T>C on the plus strand (A>G on the coding strand, the complement: MED13 is on the minus strand). VCF-style: chr17-62029942-T-C. GRCh37 (hg19) VCF-style: chr17-60107303-T-C.
Other names: short protein forms S361G.
Identifiers: ClinVar variation 5018332 (VCV005018332.1).

ClinVar aggregate classification (germline): Uncertain significance (1 of 4 stars; one submission).

gnomAD v4.1: 1 of 1,613,980 alleles (0.000062%); highest among the groups gnomAD compares: Non-Finnish European, 0.000085%; no homozygotes.

Submission:

GeneDx
Classification: Uncertain significance. Last evaluated: 2026-04-08. Review status: criteria provided, single submitter. Criteria: GeneDx Variant Classification Process June 2021. Collection method: clinical testing. Allele origin: germline.
Comment: Not observed at significant frequency in large population cohorts (gnomAD); In silico analysis suggests that this missense variant does not alter protein structure/function; Has not been previously published as pathogenic or benign to our knowledge